The following is an entry in ClinVar:

ClinVar aggregate classification (germline): Uncertain significance (1 of 4 stars; one submission).

Conditions:
Charcot-Marie-Tooth disease type 4. Also called: Charcot-Marie-Tooth disease, type IV; Charcot-Marie-Tooth, Type 4. Identifiers: Orphanet 64749, MedGen C4082197, MONDO:0018995.

Submission:

Labcorp Genetics (formerly Invitae), Labcorp
Classification: Uncertain significance for Charcot-Marie-Tooth disease type 4. Last evaluated: 2022-03-19. Review status: criteria provided, single submitter. Criteria: Invitae Variant Classification Sherloc (09022015). Collection method: clinical testing. Allele origin: germline.
Comment: In summary, the available evidence is currently insufficient to determine the role of this variant in disease. Therefore, it has been classified as a Variant of Uncertain Significance. Advanced modeling of protein sequence and biophysical properties (such as structural, functional, and spatial information, amino acid conservation, physicochemical variation, residue mobility, and thermodynamic stability) performed at Invitae indicates that this missense variant is not expected to disrupt SH3TC2 protein function. This variant has not been reported in the literature in individuals affected with SH3TC2-related conditions. This variant is not present in population databases (gnomAD no frequency). This sequence change replaces valine, which is neutral and non-polar, with alanine, which is neutral and non-polar, at codon 766 of the SH3TC2 protein (p.Val766Ala).

NM_024577.4(SH3TC2):c.2297T>C (p.Val766Ala)

Gene: SH3TC2 (SH3 domain and tetratricopeptide repeats 2; minus strand). Cytogenetic location: 5q32.
Variant type: single nucleotide variant.
Coding change: c.2297T>C on transcript NM_024577.4 (MANE Select); coding-DNA position 2297, T replaced by C.
Protein change: p.Val766Ala; replaces valine 766 with alanine.
Molecular consequence: missense variant.
Genome position (GRCh38, 1-based): chr5:149,027,435, A>G on the plus strand (T>C on the coding strand, the complement: SH3TC2 is on the minus strand). VCF-style: chr5-149027435-A-G. GRCh37 (hg19) VCF-style: chr5-148406998-A-G.
Other names: short protein forms V766A.
Identifiers: ClinVar variation 2107581 (VCV002107581.4), dbSNP rs1238752437, ClinGen allele CA361666662.